The following is an entry in ClinVar:

ClinVar aggregate classification (germline): Uncertain significance (0 of 4 stars; one submission).

Conditions:
GRIN2D-related disorder. Also called: GRIN2D-related condition.

Submission:

PreventionGenetics, part of Exact Sciences
Classification: Uncertain significance for GRIN2D-related condition. Last evaluated: 2023-11-01. Review status: no assertion criteria provided. Collection method: clinical testing. Allele origin: germline.
Comment: The GRIN2D c.1877C>G variant is predicted to result in the amino acid substitution p.Thr626Ser. To our knowledge, this variant has not been reported in the literature or in a large population database, indicating this variant is rare. At this time, the clinical significance of this variant is uncertain due to the absence of conclusive functional and genetic evidence.

NM_000836.4(GRIN2D):c.1877C>G (p.Thr626Ser)

Genes: GRIN2D (glutamate ionotropic receptor NMDA type subunit 2D; plus strand), LOC130064857 (ATAC-STARR-seq lymphoblastoid active region 14894; plus strand). Cytogenetic location: 19q13.33.
Variant type: single nucleotide variant.
Coding change: c.1877C>G on transcript NM_000836.4 (MANE Select); coding-DNA position 1877, C replaced by G.
Protein change: p.Thr626Ser; replaces threonine 626 with serine.
Molecular consequence: missense variant.
Genome position (GRCh38, 1-based): chr19:48,419,600, C>G. VCF-style: chr19-48419600-C-G. GRCh37 (hg19) VCF-style: chr19-48922857-C-G.
Other names: short protein forms T626S.
Identifiers: ClinVar variation 3031480 (VCV003031480.2), dbSNP rs2513675252, ClinGen allele CA406697665.